The following is an entry in ClinVar:

NM_020549.5(CHAT):c.920C>G (p.Ala307Gly)

Gene: CHAT (choline O-acetyltransferase; plus strand). Cytogenetic location: 10q11.23.
Variant type: single nucleotide variant.
Coding change: c.920C>G on transcript NM_020549.5 (MANE Select); coding-DNA position 920, C replaced by G.
Protein change: p.Ala307Gly; replaces alanine 307 with glycine.
Molecular consequence: missense variant.
Genome position (GRCh38, 1-based): chr10:49,625,640, C>G. VCF-style: chr10-49625640-C-G. GRCh37 (hg19) VCF-style: chr10-50833686-C-G.
Other names: c.566C>G, p.Ala189Gly (NM_001142929.2, NM_001142934.2, NM_020984.4 and 2 more transcripts); c.674C>G, p.Ala225Gly (NM_001142933.2); short protein forms A189G, A307G, A225G.
Identifiers: ClinVar variation 572595 (VCV000572595.8), dbSNP rs748250869, ClinGen allele CA376730374.

ClinVar aggregate classification (germline): Uncertain significance (1 of 4 stars; one submission).

Conditions:
Familial infantile myasthenia (CMS6). Also called: MYASTHENIC SYNDROME, PRESYNAPTIC, CONGENITAL, ASSOCIATED WITH EPISODIC APNEA; Congenital myasthenic syndrome type 6; MYASTHENIC SYNDROME, CONGENITAL, 6, PRESYNAPTIC. Identifiers: Orphanet 590, MedGen C0393929, MONDO:0009689, OMIM 254210.

Submission:

Labcorp Genetics (formerly Invitae), Labcorp
Classification: Uncertain significance for Familial infantile myasthenia. Last evaluated: 2022-10-18. Review status: criteria provided, single submitter. Criteria: Invitae Variant Classification Sherloc (09022015). Collection method: clinical testing. Allele origin: germline.
Comment: Advanced modeling of protein sequence and biophysical properties (such as structural, functional, and spatial information, amino acid conservation, physicochemical variation, residue mobility, and thermodynamic stability) has been performed at Invitae for this missense variant, however the output from this modeling did not meet the statistical confidence thresholds required to predict the impact of this variant on CHAT protein function. ClinVar contains an entry for this variant (Variation ID: 572595). This variant has not been reported in the literature in individuals affected with CHAT-related conditions. This variant is not present in population databases (gnomAD no frequency). This sequence change replaces alanine, which is neutral and non-polar, with glycine, which is neutral and non-polar, at codon 307 of the CHAT protein (p.Ala307Gly). In summary, the available evidence is currently insufficient to determine the role of this variant in disease. Therefore, it has been classified as a Variant of Uncertain Significance.